The following is an entry in ClinVar:

ClinVar aggregate classification (germline): Uncertain significance (1 of 4 stars; one submission).

Submission:

Ambry Genetics
Classification: Uncertain significance. Last evaluated: 2022-07-12. Review status: criteria provided, single submitter. Criteria: Ambry Variant Classification Scheme 2023. Collection method: clinical testing. Allele origin: germline.
Comment: The p.R159K variant (also known as c.476G>A), located in coding exon 3 of the ALPK2 gene, results from a G to A substitution at nucleotide position 476. The arginine at codon 159 is replaced by lysine, an amino acid with highly similar properties. This amino acid position is conserved. In addition, this alteration is predicted to be tolerated by in silico analysis. Since supporting evidence is limited at this time, the clinical significance of this alteration remains unclear.

NM_052947.4(ALPK2):c.476G>A (p.Arg159Lys)

Gene: ALPK2 (alpha kinase 2; minus strand). Cytogenetic location: 18q21.31.
Variant type: single nucleotide variant.
Coding change: c.476G>A on transcript NM_052947.4 (MANE Select); coding-DNA position 476, G replaced by A.
Protein change: p.Arg159Lys; replaces arginine 159 with lysine.
Molecular consequence: missense variant.
Genome position (GRCh38, 1-based): chr18:58,580,300, C>T on the plus strand (G>A on the coding strand, the complement: ALPK2 is on the minus strand). VCF-style: chr18-58580300-C-T. GRCh37 (hg19) VCF-style: chr18-56247532-C-T.
Other names: short protein forms R159K.
Identifiers: ClinVar variation 1742952 (VCV001742952.2), dbSNP rs891921897, ClinGen allele CA402567889.
Genomic context (GRCh38, chr18:58,580,300, plus strand): 5'-TTGCCCAATGACTGGAGGGAGAGTGAATGGTTGGATTTGGAGGGGGAGGAGTCAGCTGAC[C>T]TGGGAGTGCCCGGGGAGATGCTTTCTTCTTCCTTATAAGGATGTTCCTTCTCATCAATCT-3'
Protein context (NP_443179.3, residues 149-169): EEESISPGTP[Arg159Lys]SADSSPSKSN